The following is an entry in ClinVar:

ClinVar aggregate classification (germline): Conflicting classifications of pathogenicity. Review status: criteria provided, conflicting classifications (1 of 4 stars). 8 submissions from 8 submitters: Uncertain significance (5); Likely benign (1). 2 of the submissions do not count toward it. Last evaluated 2026-05-19.

Conditions:
Cardiovascular phenotype. Identifiers: MedGen CN230736.
ALPK3-related disorder. Also called: ALPK3-related condition.
Cardiomyopathy (CMYO). Also called: Cardiomyopathies. Identifiers: Orphanet 167848, MedGen C0878544, MONDO:0004994, HP:0001638. Inheritance: Various modes of inheritance.

Allele frequency attached by ClinVar (database versions not stated): TOPMed 0.00008; gnomAD 0.00010 and 0.00011.
gnomAD v4.1: 193 of 1,477,992 alleles (0.013%); highest among the groups gnomAD compares: Non-Finnish European, 0.016%; no homozygotes.

Submissions (8):

PreventionGenetics, part of Exact Sciences
Classification: Uncertain significance for ALPK3-related condition. Last evaluated: 2026-05-19. Review status: criteria provided, single submitter. Criteria: ACMG Guidelines, 2015. Collection method: clinical testing. Allele origin: germline.
Comment: The ALPK3 c.668G>T variant is predicted to result in the amino acid substitution p.Gly223Val. This variant has been reported as a variant of uncertain significance in individuals with arrhythmogenic right ventricular cardiomyopathy or hypertrophic cardiomyopathy (Supplementary File 2, van Lint et al. 2019. PubMed ID: 30847666; Table S4, Herkert et al. 2020. PubMed ID: 32480058). This variant is reported in 0.019% of alleles in individuals of European (Non-Finnish) descent in gnomAD. At this time, the clinical significance of this variant is uncertain due to the absence of conclusive functional and genetic evidence.

Labcorp Genetics (formerly Invitae), Labcorp
Classification: Uncertain significance. Last evaluated: 2026-01-13. Review status: criteria provided, single submitter. Criteria: Invitae Variant Classification Sherloc (09022015). Collection method: clinical testing. Allele origin: germline.
Comment: This sequence change replaces glycine, which is neutral and non-polar, with valine, which is neutral and non-polar, at codon 223 of the ALPK3 protein (p.Gly223Val). This variant is present in population databases (no rsID available, gnomAD 0.01%). This missense change has been observed in individual(s) with arrhythmogenic right ventricular cardiomyopathy or hypertrophic cardiomyopathy (PMID: 30847666, 32480058). ClinVar contains an entry for this variant (Variation ID: 1191731). An algorithm developed to predict the effect of missense changes on protein structure and function (PolyPhen-2) suggests that this variant is likely to be tolerated. In summary, the available evidence is currently insufficient to determine the role of this variant in disease. Therefore, it has been classified as a Variant of Uncertain Significance.

Women's Health and Genetics/Laboratory Corporation of America, LabCorp
Classification: Uncertain significance. Last evaluated: 2026-01-12. Review status: criteria provided, single submitter. Criteria: LabCorp Variant Classification Summary - May 2015. Collection method: clinical testing. Allele origin: germline.
Comment: Variant summary: ALPK3 c.62G>T (p.Gly21Val) results in a non-conservative amino acid change in the encoded protein sequence. Algorithms developed to predict the effect of missense changes on protein structure and function are either unavailable or do not agree on the potential impact of this missense change. The variant allele was found at a frequency of 7.7e-05 in 78034 control chromosomes. The available data on variant occurrences in the general population are insufficient to allow any conclusion about variant significance. c.62G>T has been observed in individuals affected with Cardiomyopathy without strong evidence for causality (van Lint_2019, Herkert_2020). These report(s) do not provide unequivocal conclusions about association of the variant with Cardiomyopathy. To our knowledge, no experimental evidence demonstrating an impact on protein function has been reported. The following publications have been ascertained in the context of this evaluation (PMID: 32480058, 30847666). ClinVar contains an entry for this variant (Variation ID: 1191731). Based on the evidence outlined above, the variant was classified as uncertain significance.

Ambry Genetics
Classification: Likely benign for Cardiovascular phenotype. Last evaluated: 2024-01-06. Review status: criteria provided, single submitter. Criteria: Ambry Variant Classification Scheme 2023. Collection method: clinical testing. Allele origin: germline.

Clinical Genomics Laboratory, Stanford Medicine
Classification: Uncertain significance for Cardiomyopathy. Last evaluated: 2022-10-31. Review status: criteria provided, single submitter. Criteria: ACMG Guidelines, 2015. Collection method: clinical testing. Allele origin: germline. Observed: 1 variant allele, 1 heterozygote.
Comment: The p.Gly21Val variant in the ALPK3 gene has been previously reported in an individual with arrhythmogenic right ventricular cardiomyopathy (van Lint et al., 2019) and in an individual with hypertrophic cardiomyopathy (Herkert et al., 2020). This variant is also referred to as p.Gly223Val. This variant has been identified in 5/26,640 European (non-Finnish) chromosomes (6/78,034 chromosomes overall) by the Genome Aggregation Database. Notably, allele frequency information may be unreliable as this variant is indicated to have poor coverage. This variant is present in ClinVar (Accession: VCV001191731.10). The glycine at position 21 is not evolutionarily conserved. Computational tools predict that the p.Gly21Val variant does not impact protein function; however, the accuracy of in silico algorithms is limited. These data were assessed using the ACMG/AMP variant interpretation guidelines. In summary, the significance of the p.Gly21Val variant is uncertain. Additional information is needed to resolve the significance of this variant. [ACMG evidence codes used: PM2; BP4]

GeneDx
Classification: Uncertain significance. Last evaluated: 2020-10-02. Review status: criteria provided, single submitter. Criteria: GeneDx Variant Classification Process June 2021. Collection method: clinical testing. Allele origin: germline. Affected: yes.
Comment: In silico analysis, which includes protein predictors and evolutionary conservation, supports that this variant does not alter protein structure/function; Has not been previously published as pathogenic or benign to our knowledge; This variant is associated with the following publications: (PMID: 32480058, 30847666)

Clinical Genetics DNA and cytogenetics Diagnostics Lab, Erasmus MC, Erasmus Medical Center
Classification: Uncertain significance. Review status: no assertion criteria provided. Collection method: clinical testing. Allele origin: germline. Affected: yes. Study: VKGL Data-share Consensus. Not counted in ClinVar's aggregate classification.

Clinical Genetics, Academic Medical Center
Classification: Uncertain significance. Review status: no assertion criteria provided. Collection method: clinical testing. Allele origin: germline. Affected: yes. Study: VKGL Data-share Consensus. Not counted in ClinVar's aggregate classification.

Literature cited by the submitters: PubMed 30847666 (cited by 4 submitters); PubMed 32480058 (cited by 3 submitters).

NM_020778.5(ALPK3):c.62G>T (p.Gly21Val)

Gene: ALPK3 (alpha kinase 3; plus strand). Cytogenetic location: 15q25.3.
Variant type: single nucleotide variant.
Coding change: c.62G>T on transcript NM_020778.5 (MANE Select); coding-DNA position 62, G replaced by T.
Protein change: p.Gly21Val; replaces glycine 21 with valine.
Molecular consequence: missense variant.
Genome position (GRCh38, 1-based): chr15:84,817,514, G>T. VCF-style: chr15-84817514-G-T. GRCh37 (hg19) VCF-style: chr15-85360745-G-T.
Other names: short protein forms G21V.
Identifiers: ClinVar variation 1191731 (VCV001191731.14), dbSNP rs1415475314, ClinGen allele CA393369383.